The following is an entry in ClinVar:

NC_000012.12:g.40406049C>T

Gene: MUC19 (mucin 19, oligomeric (gene/pseudogene); plus strand). Cytogenetic location: 12q12.
Variant type: single nucleotide variant.
Genome position: GRCh38 VCF-style: chr12-40406049-C-T. GRCh37 (hg19) VCF-style: chr12-40799851-C-T.
Identifiers: ClinVar variation 2642854 (VCV002642854.24), dbSNP rs367804593, ClinGen allele CA6515015.

ClinVar aggregate classification (germline): Likely benign (1 of 4 stars; one submission).

Allele frequency attached by ClinVar (database versions not stated): gnomAD 0.00001; gnomAD exomes 0.00002; TOPMed 0.00002.

Submission:

CeGaT Center for Human Genetics Tuebingen
Classification: Likely benign. Last evaluated: 2022-06-01. Review status: criteria provided, single submitter. Criteria: CeGaT Center For Human Genetics Tuebingen Variant Classification Criteria Version 2. Collection method: clinical testing. Allele origin: germline. Affected: yes. Observed: 1 variant allele.
Comment: MUC19: BP4, BP7